The following is an entry in ClinVar:

NM_021067.5(GINS1):c.447+1G>A

Gene: GINS1 (GINS complex subunit 1; plus strand). Cytogenetic location: 20p11.21.
Variant type: single nucleotide variant.
Coding change: c.447+1G>A on transcript NM_021067.5 (MANE Select); the canonical splice donor site of the intron after coding-DNA position 447, G replaced by A.
Molecular consequence: splice donor variant. On other transcripts: intron variant (1).
Genome position (GRCh38, 1-based): chr20:25,425,328, G>A. VCF-style: chr20-25425328-G-A. GRCh37 (hg19) VCF-style: chr20-25405964-G-A.
Other names: c.330+7133G>A (NM_001410830.1); c.192+1G>A (NM_001410831.1).
Identifiers: ClinVar variation 2822097 (VCV002822097.3), dbSNP rs2090384916, ClinGen allele CA408449152.
Genomic context (GRCh38, chr20:25,425,328, plus strand): 5'-GGAGATGAAGGTTTGGACATTACACAGGATATGAAACCACCAAAAAGCCTATATATTGAA[G>A]TATGTATATCTTTTTAAAATGCATTTTTCTTTAATGTGTAAATTGTGCTACCTTTTAAGA-3'

ClinVar aggregate classification (germline): Uncertain significance (1 of 4 stars; one submission).

Allele frequency attached by ClinVar (database versions not stated): gnomAD 0.00001.

Submission:

Labcorp Genetics (formerly Invitae), Labcorp
Classification: Uncertain significance. Last evaluated: 2022-12-18. Review status: criteria provided, single submitter. Criteria: Invitae Variant Classification Sherloc (09022015). Collection method: clinical testing. Allele origin: germline.
Comment: This variant has not been reported in the literature in individuals affected with GINS1-related conditions. This sequence change affects a donor splice site in intron 5 of the GINS1 gene. It is expected to disrupt RNA splicing. Variants that disrupt the donor or acceptor splice site typically lead to a loss of protein function (PMID: 16199547), however the current clinical and genetic evidence is not sufficient to establish whether loss-of-function variants in GINS1 cause disease. This variant is not present in population databases (gnomAD no frequency). Algorithms developed to predict the effect of sequence changes on RNA splicing suggest that this variant may disrupt the consensus splice site. In summary, the available evidence is currently insufficient to determine the role of this variant in disease. Therefore, it has been classified as a Variant of Uncertain Significance.

Literature cited by the submitters: PubMed 16199547.